The following is an entry in ClinVar:

NM_001430.5(EPAS1):c.20A>G (p.Lys7Arg)

Genes: EPAS1 (endothelial PAS domain protein 1; plus strand), LOC129933655 (ATAC-STARR-seq lymphoblastoid silent region 11447; plus strand). Cytogenetic location: 2p21.
Variant type: single nucleotide variant.
Coding change: c.20A>G on transcript NM_001430.5 (MANE Select); coding-DNA position 20, A replaced by G.
Protein change: p.Lys7Arg; replaces lysine 7 with arginine.
Molecular consequence: missense variant.
Genome position (GRCh38, 1-based): chr2:46,297,931, A>G. VCF-style: chr2-46297931-A-G. GRCh37 (hg19) VCF-style: chr2-46525070-A-G.
Other names: short protein forms K7R.
Identifiers: ClinVar variation 4716522 (VCV004716522.1).
Genomic context (GRCh38, chr2:46,297,931, plus strand): 5'-AGGTGCTCGGCGTCTGAACGTCTCAAAGGGCCACAGCGACAATGACAGCTGACAAGGAGA[A>G]GAAAAGGTAAGCGGGCGTCCGGGCCGATCAGGGGGCCGGTCCGAGGCCAGGGCCGGGCTG-3'
Protein context (NP_001421.2, residues 1-17): MTADKE[Lys7Arg]KRSSSERRKE

ClinVar aggregate classification (germline): Uncertain significance (1 of 4 stars; one submission).

gnomAD v4.1: 3 of 1,612,440 alleles (0.00019%); highest among the groups gnomAD compares: Non-Finnish European, 0.00025%; no homozygotes.

Submission:

Labcorp Genetics (formerly Invitae), Labcorp
Classification: Uncertain significance. Last evaluated: 2025-08-06. Review status: criteria provided, single submitter. Criteria: Invitae Variant Classification Sherloc (09022015). Collection method: clinical testing. Allele origin: germline.
Comment: This sequence change replaces lysine, which is basic and polar, with arginine, which is basic and polar, at codon 7 of the EPAS1 protein (p.Lys7Arg). This variant is not present in population databases (gnomAD no frequency). This variant has not been reported in the literature in individuals affected with EPAS1-related conditions. An algorithm developed to predict the effect of missense changes on protein structure and function (PolyPhen-2) suggests that this variant is likely to be disruptive. In summary, the available evidence is currently insufficient to determine the role of this variant in disease. Therefore, it has been classified as a Variant of Uncertain Significance.